The following is an entry in ClinVar:

NM_001366244.2(GOLGA2):c.453C>T (p.Thr151=)

Gene: GOLGA2 (golgin A2; minus strand). Cytogenetic location: 9q34.11.
Variant type: single nucleotide variant.
Coding change: c.453C>T on transcript NM_001366244.2 (MANE Select); coding-DNA position 453, C replaced by T.
Protein change: p.Thr151=; no amino-acid change (threonine 151 retained).
Molecular consequence: synonymous variant. On other transcripts: intron variant (2).
Genome position (GRCh38, 1-based): chr9:128,267,982, G>A on the plus strand (C>T on the coding strand, the complement: GOLGA2 is on the minus strand). VCF-style: chr9-128267982-G-A. GRCh37 (hg19) VCF-style: chr9-131030261-G-A.
Other names: c.453C>T, p.Thr151= (NM_001366246.2, NM_001389695.2, NM_001389696.2 and 3 more transcripts); c.372C>T, p.Thr124= (NM_001389700.2, NM_001389701.2, NM_001389703.2 and 1 more transcripts); c.267C>T, p.Thr89= (NM_001389702.2); c.208-1962C>T (NM_001389705.2); c.208-1657C>T (NM_001389704.2).
Identifiers: ClinVar variation 4872383 (VCV004872383.3).

ClinVar aggregate classification (germline): Likely benign. Review status: criteria provided, multiple submitters, no conflicts (2 of 4 stars). 2 submissions from 2 submitters: Likely benign (2). Last evaluated 2026-05-01.

gnomAD v4.1: 527 of 1,613,866 alleles (0.033%); highest among the groups gnomAD compares: African/African-American, 0.59%; 3 homozygotes.

Submissions (2):

CeGaT Center for Human Genetics Tuebingen
Classification: Likely benign. Last evaluated: 2026-05-01. Review status: criteria provided, single submitter. Criteria: CeGaT Center For Human Genetics Tuebingen Variant Classification Criteria Version 2. Collection method: clinical testing. Allele origin: germline. Affected: yes. Observed: 1 variant allele.
Comment: GOLGA2: BP4, BP7

Blueprint Genetics
Classification: Likely benign. Last evaluated: 2024-11-25. Review status: criteria provided, single submitter. Criteria: ACMG Guidelines, 2015. Collection method: clinical testing. Allele origin: germline.